The following is an entry in ClinVar:

NM_002880.4(RAF1):c.920A>G (p.Gln307Arg)

Gene: RAF1 (Raf-1 proto-oncogene, serine/threonine kinase; minus strand). Cytogenetic location: 3p25.2.
Variant type: single nucleotide variant.
Coding change: c.920A>G on transcript NM_002880.4 (MANE Select); coding-DNA position 920, A replaced by G.
Protein change: p.Gln307Arg; replaces glutamine 307 with arginine.
Molecular consequence: missense variant. On other transcripts: non-coding transcript variant (3).
Genome position (GRCh38, 1-based): chr3:12,600,222, T>C on the plus strand (A>G on the coding strand, the complement: RAF1 is on the minus strand). VCF-style: chr3-12600222-T-C. GRCh37 (hg19) VCF-style: chr3-12641721-T-C.
Other names: c.980A>G, p.Gln327Arg (NM_001354689.3); c.920A>G, p.Gln307Arg (NM_001354690.3); c.677A>G, p.Gln226Arg (NM_001354691.3, NM_001354692.3); c.821A>G, p.Gln274Arg (NM_001354693.3); c.737A>G, p.Gln246Arg (NM_001354694.3); c.578A>G, p.Gln193Arg (NM_001354695.3); short protein forms Q193R, Q226R, Q246R, Q274R, Q307R, Q327R.
Identifiers: ClinVar variation 3776683 (VCV003776683.1).
Genomic context (GRCh38, chr3:12,600,222, plus strand): 5'-TTCTCCTGGGTCCCAGATACTGGTGCCCGCTCTCTTTGTGCTGGCACGGGGGTTTTCGGC[T>C]GTGACCAGCCTGTTGGGCTCAGATTGTTGGGGCTACTGGACAGGGCTGAAGGTGAGGCTT-3'
Protein context (NP_002871.1, residues 297-317): PNNLSPTGWS[Gln307Arg]PKTPVPAQRE

ClinVar aggregate classification (germline): Uncertain significance (1 of 4 stars; one submission).

Submission:

GeneDx
Classification: Uncertain significance. Last evaluated: 2024-10-07. Review status: criteria provided, single submitter. Criteria: GeneDx Variant Classification Process June 2021. Collection method: clinical testing. Allele origin: germline. Affected: yes.
Comment: Not observed at significant frequency in large population cohorts (gnomAD); Missense variants in this gene are a common cause of disease and they are underrepresented in the general population; In silico analysis indicates that this missense variant does not alter protein structure/function; Has not been previously published as pathogenic or benign to our knowledge